The following is an entry in ClinVar:

NM_000243.3(MEFV):c.916C>G (p.Pro306Ala)

Gene: MEFV (MEFV innate immunity regulator, pyrin; minus strand). Cytogenetic location: 16p13.3.
Variant type: single nucleotide variant.
Coding change: c.916C>G on transcript NM_000243.3 (MANE Select); coding-DNA position 916, C replaced by G.
Protein change: p.Pro306Ala; replaces proline 306 with alanine.
Molecular consequence: missense variant.
Genome position (GRCh38, 1-based): chr16:3,249,775, G>C on the plus strand (C>G on the coding strand, the complement: MEFV is on the minus strand). VCF-style: chr16-3249775-G-C. GRCh37 (hg19) VCF-style: chr16-3299775-G-C.
Other names: c.283C>G, p.Pro95Ala (NM_001198536.2); short protein forms P306A, P95A.
Identifiers: ClinVar variation 2816050 (VCV002816050.5), dbSNP rs906390314, ClinGen allele CA394472205.
Genomic context (GRCh38, chr16:3,249,775, plus strand): 5'-TACCGTCAACTGGGTCTCCTTCCTGGGCGTGGCAGCGGGGACTCGCAGCCGTGTCTGGTG[G>C]CCTTCCTGGGGACATGCAGTGGAAAAACCCCCTGAATGGCAAACCCAAGTTGCTTACACA-3'
Protein context (NP_000234.1, residues 296-316): GNPEHSVTGR[Pro306Ala]PDTAASPRCH

ClinVar aggregate classification (germline): Uncertain significance. Review status: criteria provided, multiple submitters, no conflicts (2 of 4 stars). 2 submissions from 2 submitters: Uncertain significance (2). Last evaluated 2026-04-01.

Conditions:
Familial Mediterranean fever (FMF). Also called: Periodic peritonitis; Benign paroxysmal peritonitis; POLYSEROSITIS, FAMILIAL PAROXYSMAL; POLYSEROSITIS, RECURRENT. Identifiers: Orphanet 342, MedGen C0031069, MONDO:0018088, OMIM 249100. Disease mechanism: gain of function.

Allele frequency attached by ClinVar (database versions not stated): gnomAD exomes below 0.00001.
gnomAD v4.1: 1 of 1,613,708 alleles (0.000062%); highest among the groups gnomAD compares: Non-Finnish European, 0.000085%; no homozygotes.

Submissions (2):

CeGaT Center for Human Genetics Tuebingen
Classification: Uncertain significance. Last evaluated: 2026-04-01. Review status: criteria provided, single submitter. Criteria: CeGaT Center For Human Genetics Tuebingen Variant Classification Criteria Version 2. Collection method: clinical testing. Allele origin: germline. Affected: yes. Observed: 1 variant allele.
Comment: MEFV: PM2, BP4

Labcorp Genetics (formerly Invitae), Labcorp
Classification: Uncertain significance for Familial Mediterranean fever. Last evaluated: 2024-10-24. Review status: criteria provided, single submitter. Criteria: Invitae Variant Classification Sherloc (09022015). Collection method: clinical testing. Allele origin: germline.
Comment: This sequence change replaces proline, which is neutral and non-polar, with alanine, which is neutral and non-polar, at codon 306 of the MEFV protein (p.Pro306Ala). This variant is not present in population databases (gnomAD no frequency). This variant has not been reported in the literature in individuals affected with MEFV-related conditions. An algorithm developed to predict the effect of missense changes on protein structure and function (PolyPhen-2) suggests that this variant is likely to be tolerated. In summary, the available evidence is currently insufficient to determine the role of this variant in disease. Therefore, it has been classified as a Variant of Uncertain Significance.